The following is an entry in ClinVar:

NM_003680.4(YARS1):c.244A>G (p.Asn82Asp)

Gene: YARS1 (tyrosyl-tRNA synthetase 1; minus strand). Cytogenetic location: 1p35.1.
Variant type: single nucleotide variant.
Coding change: c.244A>G on transcript NM_003680.4 (MANE Select); coding-DNA position 244, A replaced by G.
Protein change: p.Asn82Asp; replaces asparagine 82 with aspartic acid.
Molecular consequence: missense variant.
Genome position (GRCh38, 1-based): chr1:32,810,727, T>C on the plus strand (A>G on the coding strand, the complement: YARS1 is on the minus strand). VCF-style: chr1-32810727-T-C. GRCh37 (hg19) VCF-style: chr1-33276328-T-C.
Other names: short protein forms N82D.
Identifiers: ClinVar variation 2748406 (VCV002748406.3), dbSNP rs2523436087, ClinGen allele CA339687301.

ClinVar aggregate classification (germline): Uncertain significance (1 of 4 stars; one submission).

Conditions:
Charcot-Marie-Tooth disease dominant intermediate C (CMTDIC). Also called: CHARCOT-MARIE-TOOTH NEUROPATHY, DOMINANT INTERMEDIATE C. Identifiers: Orphanet 100045, MedGen C1842237, MONDO:0012012, OMIM 608323.

Submission:

Labcorp Genetics (formerly Invitae), Labcorp
Classification: Uncertain significance for Charcot-Marie-Tooth disease dominant intermediate C. Last evaluated: 2023-07-30. Review status: criteria provided, single submitter. Criteria: Invitae Variant Classification Sherloc (09022015). Collection method: clinical testing. Allele origin: germline.
Comment: In summary, the available evidence is currently insufficient to determine the role of this variant in disease. Therefore, it has been classified as a Variant of Uncertain Significance. Advanced modeling of protein sequence and biophysical properties (such as structural, functional, and spatial information, amino acid conservation, physicochemical variation, residue mobility, and thermodynamic stability) performed at Invitae indicates that this missense variant is expected to disrupt YARS protein function. This variant has not been reported in the literature in individuals affected with YARS-related conditions. This variant is not present in population databases (gnomAD no frequency). This sequence change replaces asparagine, which is neutral and polar, with aspartic acid, which is acidic and polar, at codon 82 of the YARS protein (p.Asn82Asp).